The following is an entry in ClinVar:

ClinVar aggregate classification (germline): Uncertain significance. Review status: criteria provided, multiple submitters, no conflicts (2 of 4 stars). 2 submissions from 2 submitters: Uncertain significance (2). Last evaluated 2024-07-15.

Conditions:
Hereditary cancer-predisposing syndrome. Also called: Tumor predisposition; Hereditary neoplastic syndrome; Neoplastic Syndromes, Hereditary; Hereditary Cancer Syndrome. Identifiers: Orphanet 140162, MedGen C0027672, MeSH D009386, MONDO:0015356.

Submissions (2):

Ambry Genetics
Classification: Uncertain significance for Hereditary cancer-predisposing syndrome. Last evaluated: 2024-07-15. Review status: criteria provided, single submitter. Criteria: Ambry Variant Classification Scheme 2023. Collection method: clinical testing. Allele origin: germline.

Labcorp Genetics (formerly Invitae), Labcorp
Classification: Uncertain significance. Last evaluated: 2023-11-25. Review status: criteria provided, single submitter. Criteria: Invitae Variant Classification Sherloc (09022015). Collection method: clinical testing. Allele origin: germline.
Comment: This sequence change replaces alanine, which is neutral and non-polar, with serine, which is neutral and polar, at codon 1943 of the POLE protein (p.Ala1943Ser). This variant is not present in population databases (gnomAD no frequency). This variant has not been reported in the literature in individuals affected with POLE-related conditions. ClinVar contains an entry for this variant (Variation ID: 845999). An algorithm developed to predict the effect of missense changes on protein structure and function (PolyPhen-2) suggests that this variant is likely to be tolerated. In summary, the available evidence is currently insufficient to determine the role of this variant in disease. Therefore, it has been classified as a Variant of Uncertain Significance.

NM_006231.4(POLE):c.5827G>T (p.Ala1943Ser)

Gene: POLE (DNA polymerase epsilon, catalytic subunit; minus strand). Cytogenetic location: 12q24.33.
Variant type: single nucleotide variant.
Coding change: c.5827G>T on transcript NM_006231.4 (MANE Select); coding-DNA position 5827, G replaced by T.
Protein change: p.Ala1943Ser; replaces alanine 1943 with serine.
Molecular consequence: missense variant.
Genome position (GRCh38, 1-based): chr12:132,634,363, C>A on the plus strand (G>T on the coding strand, the complement: POLE is on the minus strand). VCF-style: chr12-132634363-C-A. GRCh37 (hg19) VCF-style: chr12-133210949-C-A.
Other names: c.5827G>T (NM_006231.2); short protein forms A1943S.
Identifiers: ClinVar variation 845999 (VCV000845999.12), dbSNP rs1365730773, ClinGen allele CA387371871.